The following is an entry in ClinVar:

NM_000287.4(PEX6):c.2332G>A (p.Val778Met)

Gene: PEX6 (peroxisomal biogenesis factor 6; minus strand). Cytogenetic location: 6p21.1.
Variant type: single nucleotide variant.
Coding change: c.2332G>A on transcript NM_000287.4 (MANE Select); coding-DNA position 2332, G replaced by A.
Protein change: p.Val778Met; replaces valine 778 with methionine.
Molecular consequence: missense variant.
Genome position (GRCh38, 1-based): chr6:42,966,074, C>T on the plus strand (G>A on the coding strand, the complement: PEX6 is on the minus strand). VCF-style: chr6-42966074-C-T. GRCh37 (hg19) VCF-style: chr6-42933812-C-T.
Other names: c.2068G>A, p.Val690Met (NM_001316313.2); short protein forms V690M, V778M.
Identifiers: ClinVar variation 5007060 (VCV005007060.2).

ClinVar aggregate classification (germline): Uncertain significance (1 of 4 stars; one submission).

Conditions:
Heimler syndrome 2 (HMLR2). Also called: PEROXISOME BIOGENESIS DISORDER 4C. Identifiers: Orphanet 3220, MedGen C4225267, OMIM 616617, MONDO:0014709.
Peroxisome biogenesis disorder 4A (Zellweger) (PBD4A). Also called: Zellweger syndrome spectrum (PEX6-related). Identifiers: Orphanet 912, MedGen C3553936, MONDO:0013930, OMIM 614862. Disease mechanism: loss of function.
Peroxisome biogenesis disorder 4B (PBD4B). Also called: SPINOCEREBELLAR ATAXIA WITH BLINDNESS AND DEAFNESS 1. Identifiers: Orphanet 44, Orphanet 95433, MedGen C3553937, MONDO:0013931, OMIM 614863.

gnomAD v4.1: 22 of 1,614,058 alleles (0.0014%); highest among the groups gnomAD compares: East Asian, 0.04%; no homozygotes.

Submission:

Juno Genomics, Hangzhou Juno Genomics, Inc
Classification: Uncertain significance for Heimler syndrome 2; Peroxisome biogenesis disorder 4A (Zellweger); Peroxisome biogenesis disorder 4B. Review status: criteria provided, single submitter. Criteria: ACMG Guidelines, 2015. Collection method: clinical testing. Allele origin: germline.
Comment: Absent from controls (or at extremely low frequency if recessive) in Genome Aggregation Database.;Multiple lines of computational evidence support a deleterious effect on the gene or gene product.